The following is an entry in ClinVar:

ClinVar aggregate classification (germline): Conflicting classifications of pathogenicity. Review status: criteria provided, conflicting classifications (1 of 4 stars). 3 submissions from 3 submitters: Uncertain significance (1); Likely benign (2). Last evaluated 2025-08-06.

Conditions:
Inborn genetic diseases. Identifiers: MedGen C0950123, MeSH D030342.

Allele frequency attached by ClinVar (database versions not stated): TOPMed below 0.00001; gnomAD 0.00001; ExAC 0.00002.
gnomAD v4.1: 34 of 1,613,468 alleles (0.0021%); highest among the groups gnomAD compares: South Asian, 0.016%; no homozygotes.

Submissions (3):

Ambry Genetics
Classification: Likely benign for Inborn genetic diseases. Last evaluated: 2025-08-06. Review status: criteria provided, single submitter. Criteria: Ambry Variant Classification Scheme 2023. Collection method: clinical testing. Allele origin: germline.

CeGaT Center for Human Genetics Tuebingen
Classification: Likely benign. Last evaluated: 2023-08-01. Review status: criteria provided, single submitter. Criteria: CeGaT Center For Human Genetics Tuebingen Variant Classification Criteria Version 2. Collection method: clinical testing. Allele origin: germline. Affected: yes. Observed: 1 variant allele.
Comment: BPTF: BP4

Labcorp Genetics (formerly Invitae), Labcorp
Classification: Uncertain significance. Last evaluated: 2023-02-09. Review status: criteria provided, single submitter. Criteria: Invitae Variant Classification Sherloc (09022015). Collection method: clinical testing. Allele origin: germline.
Comment: In summary, the available evidence is currently insufficient to determine the role of this variant in disease. Therefore, it has been classified as a Variant of Uncertain Significance. Algorithms developed to predict the effect of missense changes on protein structure and function output the following: SIFT: "Tolerated"; PolyPhen-2: "Benign"; Align-GVGD: "Class C0". The valine amino acid residue is found in multiple mammalian species, which suggests that this missense change does not adversely affect protein function. This variant has not been reported in the literature in individuals affected with BPTF-related conditions. This variant is present in population databases (rs771437944, gnomAD 0.003%). This sequence change replaces isoleucine, which is neutral and non-polar, with valine, which is neutral and non-polar, at codon 1588 of the BPTF protein (p.Ile1588Val).

NM_182641.4(BPTF):c.4384A>G (p.Ile1462Val)

Gene: BPTF (bromodomain PHD finger transcription factor; plus strand). Cytogenetic location: 17q24.2.
Variant type: single nucleotide variant.
Coding change: c.4384A>G on transcript NM_182641.4 (MANE Select); coding-DNA position 4384, A replaced by G.
Protein change: p.Ile1462Val; replaces isoleucine 1462 with valine.
Molecular consequence: missense variant.
Genome position (GRCh38, 1-based): chr17:67,912,268, A>G. VCF-style: chr17-67912268-A-G. GRCh37 (hg19) VCF-style: chr17-65908384-A-G.
Other names: c.4762A>G, p.Ile1588Val (NM_004459.7); c.4384A>G (NM_182641.3); short protein forms I1462V, I1588V.
Identifiers: ClinVar variation 2648137 (VCV002648137.28), dbSNP rs771437944, ClinGen allele CA8725795.
Genomic context (GRCh38, chr17:67,912,268, plus strand): 5'-AATATAAATAAAATAATCCCTGAGAATGATATTAAATCATTGACTGTTAAAGAATCTGCT[A>G]TAAGGCCATTCATTAATGGTGATGTCATCATGGAAGATTTTAATGAAAGAAACAGCTCCG-3'
Protein context (NP_872579.2, residues 1452-1472): IKSLTVKESA[Ile1462Val]RPFINGDVIM